The following is an entry in ClinVar:

ClinVar aggregate classification (germline): Uncertain significance. Review status: criteria provided, multiple submitters, no conflicts (2 of 4 stars). 3 submissions from 3 submitters: Uncertain significance (3). Last evaluated 2025-09-01.

Conditions:
Familial hypercholesterolemia. Also called: Familial hypercholesterolemias; Familial hypercholesterolaemia. Identifiers: MedGen C0020445, MONDO:0005439.
Hypercholesterolemia, autosomal dominant, 3 (FHCL3). Also called: Familial Hypercholesterolemia, Autosomal Dominant, 3; PCSK9-Related Familial Hypercholesterolemia, Autosomal Dominant; Familial hypercholesterolemia 3. Identifiers: MedGen C1863551, MONDO:0011369, OMIM 603776.
Cardiovascular phenotype. Identifiers: MedGen CN230736.

Allele frequency attached by ClinVar (database versions not stated): TOPMed below 0.00001.

Submissions (3):

Color Diagnostics, LLC DBA Color Health
Classification: Uncertain significance for Familial hypercholesterolemia. Last evaluated: 2025-09-01. Review status: criteria provided, single submitter. Criteria: ACMG Guidelines, 2015. Collection method: clinical testing. Allele origin: germline.
Comment: This missense variant replaces glycine with cysteine at codon 51 of the PCSK9 protein. Computational prediction suggests that this variant may not impact protein structure and function. To our knowledge, functional studies have not been reported for this variant. This variant has not been reported in individuals affected with PCSK9-related disorders in the literature. This variant has not been identified in the general population by the Genome Aggregation Database (gnomAD). The available evidence is insufficient to determine the role of this variant in disease conclusively. Therefore, this variant is classified as a Variant of Uncertain Significance.

All of Us Research Program, National Institutes of Health
Classification: Uncertain significance for Hypercholesterolemia, autosomal dominant, 3. Last evaluated: 2024-03-05. Review status: criteria provided, single submitter. Criteria: ACMG Guidelines, 2015. Collection method: clinical testing. Allele origin: germline. Inheritance: Autosomal dominant inheritance. Observed: 1 variant allele, 1 heterozygote.
Comment: This study involves interpretation of variants in research participants for the purpose of population health screening. Participant phenotype was not available at the time of variant classification. Additional details can be found in publication PMID: 35346344, PMCID: PMC8962531

Ambry Genetics
Classification: Uncertain significance for Cardiovascular phenotype. Last evaluated: 2022-08-16. Review status: criteria provided, single submitter. Criteria: Ambry Variant Classification Scheme 2023. Collection method: clinical testing. Allele origin: germline.
Comment: The p.G51C variant (also known as c.151G>T), located in coding exon 1 of the PCSK9 gene, results from a G to T substitution at nucleotide position 151. The glycine at codon 51 is replaced by cysteine, an amino acid with highly dissimilar properties. This amino acid position is conserved. In addition, this alteration is predicted to be tolerated by in silico analysis. Since supporting evidence is limited at this time, the clinical significance of this alteration remains unclear.

NM_174936.4(PCSK9):c.151G>T (p.Gly51Cys)

Gene: PCSK9 (proprotein convertase subtilisin/kexin type 9; plus strand). Cytogenetic location: 1p32.3.
Variant type: single nucleotide variant.
Coding change: c.151G>T on transcript NM_174936.4 (MANE Select); coding-DNA position 151, G replaced by T.
Protein change: p.Gly51Cys; replaces glycine 51 with cysteine.
Molecular consequence: missense variant.
Genome position (GRCh38, 1-based): chr1:55,039,988, G>T. VCF-style: chr1-55039988-G-T. GRCh37 (hg19) VCF-style: chr1-55505661-G-T.
Other names: c.151G>T, p.Gly51Cys (NM_001407240.1, NM_001407241.1, NM_001407242.1 and 4 more transcripts); c.-584G>T (NM_001407246.1); short protein forms G51C.
Identifiers: ClinVar variation 1774405 (VCV001774405.4), dbSNP rs1346757467, ClinGen allele CA340482877.